The following is an entry in ClinVar:

ClinVar aggregate classification (germline): Conflicting classifications of pathogenicity. Review status: criteria provided, conflicting classifications (1 of 4 stars). 3 submissions from 3 submitters: Uncertain significance (1); Likely benign (2). Last evaluated 2024-10-15.

Conditions:
Cardiovascular phenotype. Identifiers: MedGen CN230736.
Long QT syndrome (LQTS). Identifiers: MedGen C0023976, MeSH D008133, MONDO:0002442. Disease mechanism: loss of function. Inheritance: Various modes of inheritance.

Allele frequency attached by ClinVar (database versions not stated): gnomAD exomes below 0.00001; TOPMed below 0.00001; ExAC 0.00001; gnomAD 0.00001.
gnomAD v4.1: 6 of 1,613,902 alleles (0.00037%); highest among the groups gnomAD compares: Non-Finnish European, 0.00051%; no homozygotes.

Submissions (3):

Labcorp Genetics (formerly Invitae), Labcorp
Classification: Likely benign for Long QT syndrome. Last evaluated: 2024-10-15. Review status: criteria provided, single submitter. Criteria: Invitae Variant Classification Sherloc (09022015). Collection method: clinical testing. Allele origin: germline.

Ambry Genetics
Classification: Likely benign for Cardiovascular phenotype. Last evaluated: 2023-05-11. Review status: criteria provided, single submitter. Criteria: Ambry Variant Classification Scheme 2023. Collection method: clinical testing. Allele origin: germline.

GeneDx
Classification: Uncertain significance. Last evaluated: 2017-08-03. Review status: criteria provided, single submitter. Criteria: GeneDx Variant Classification (06012015). Collection method: clinical testing. Allele origin: germline. Affected: yes.
Comment: A variant of uncertain significance has been identified in the ANK2 gene. The c.1986 A>G variant has not been published as pathogenic or been reported as benign to our knowledge. This variant is not observed at a significant frequency in large population cohorts (Lek et al., 2016; 1000 Genomes Consortium et al., 2015; Exome Variant Server). The c.1986 A>G variant results in a synonymous protein substitution which could lead to abnormal gene splicing; however, three splicing algorithims are inconsistent as to whether this nucleotide substitution creates a cryptic splice donor site upstream of the natural splice donor site in intron 18. Additionally, this nucletotide substitution occurs at a position that is not conserved, and guanine (G) is wild type in several species. In the absence of functional mRNA studies, the physiological consequence of this variant cannot be determined.

NM_001148.6(ANK2):c.1986A>G (p.Gly662=)

Gene: ANK2 (ankyrin 2; plus strand). Cytogenetic location: 4q26.
Variant type: single nucleotide variant.
Coding change: c.1986A>G on transcript NM_001148.6 (MANE Select); coding-DNA position 1986, A replaced by G.
Protein change: p.Gly662=; no amino-acid change (glycine 662 retained).
Molecular consequence: synonymous variant.
Genome position (GRCh38, 1-based): chr4:113,282,779, A>G. VCF-style: chr4-113282779-A-G. GRCh37 (hg19) VCF-style: chr4-114203935-A-G.
Other names: c.1923A>G, p.Gly641= (NM_001127493.3, NM_001354239.2, NM_001354243.2 and 10 more transcripts); c.1986A>G, p.Gly662= (NM_001354225.2, NM_001354228.2, NM_001354232.2 and 6 more transcripts); c.2031A>G, p.Gly677= (NM_001354230.2, NM_001354231.2, NM_001354237.2 and 5 more transcripts); c.1887A>G, p.Gly629= (NM_001354245.2, NM_001354268.2); c.1899A>G, p.Gly633= (NM_001354249.2, NM_001354264.2, NM_001354266.2 and 10 more transcripts); c.1824A>G, p.Gly608= (NM_001354253.2, NM_001354257.2, NM_001354270.2 and 1 more transcripts); c.1800A>G, p.Gly600= (NM_001354260.2, NM_001354271.2, NM_001386151.1); c.1944A>G, p.Gly648= (NM_001354261.2, NM_001386147.1, NM_001386160.1); and 8 more.
Identifiers: ClinVar variation 451116 (VCV000451116.9), dbSNP rs765012746, ClinGen allele CA3050415.